The following is an entry in ClinVar:

NM_153240.5(NPHP3):c.3255_3256dup (p.Gly1086fs)

Genes: NPHP3 (nephrocystin 3; minus strand), NPHP3-ACAD11 (NPHP3-ACAD11 readthrough (NMD candidate); minus strand). Cytogenetic location: 3q22.1.
Variant type: Duplication.
Coding change: c.3255_3256dup on transcript NM_153240.5 (MANE Select); coding-DNA positions 3255 to 3256, 2 bases duplicated (AG; older notation c.3255_3256dupAG).
Protein change: p.Gly1086fs; shifts the reading frame from glycine 1086.
Molecular consequence: frameshift variant. On other transcripts: non-coding transcript variant (1).
Genome position (GRCh38, 1-based): chr3:132,686,333-132,686,334, CT duplicated on the plus strand (AG on the coding strand, the reverse complement: NPHP3 is on the minus strand). VCF-style (leftmost placement, unchanged base first): chr3-132686332-C-CCT. GRCh37 (hg19) VCF-style: chr3-132405176-C-CCT.
Other names: short protein forms G1086fs.
Identifiers: ClinVar variation 1976581 (VCV001976581.5), dbSNP rs2530385906, ClinGen allele CA2580068787.

ClinVar aggregate classification (germline): Pathogenic (1 of 4 stars; one submission).

Conditions:
Nephronophthisis. Also called: Juvenile Nephronophthisis. Identifiers: Orphanet 655, MedGen C0687120, MONDO:0019005, HP:0000090.

Submission:

Labcorp Genetics (formerly Invitae), Labcorp
Classification: Pathogenic for Nephronophthisis. Last evaluated: 2022-06-14. Review status: criteria provided, single submitter. Criteria: Invitae Variant Classification Sherloc (09022015). Collection method: clinical testing. Allele origin: germline.
Comment: For these reasons, this variant has been classified as Pathogenic. Algorithms developed to predict the effect of sequence changes on RNA splicing suggest that this variant may disrupt the consensus splice site. This variant has not been reported in the literature in individuals affected with NPHP3-related conditions. This variant is not present in population databases (gnomAD no frequency). This sequence change creates a premature translational stop signal (p.Gly1086Glufs*32) in the NPHP3 gene. It is expected to result in an absent or disrupted protein product. Loss-of-function variants in NPHP3 are known to be pathogenic (PMID: 18371931, 23559409).

Literature cited by the submitters: PubMed 18371931; PubMed 23559409.